The following is an entry in ClinVar:

ClinVar aggregate classification (germline): Pathogenic (1 of 4 stars; one submission).

Submission:

Labcorp Genetics (formerly Invitae), Labcorp
Classification: Pathogenic. Last evaluated: 2025-06-30. Review status: criteria provided, single submitter. Criteria: Invitae Variant Classification Sherloc (09022015). Collection method: clinical testing. Allele origin: germline.
Comment: This sequence change creates a premature translational stop signal (p.Glu385*) in the PRPF31 gene. It is expected to result in an absent or disrupted protein product. Loss-of-function variants in PRPF31 are known to be pathogenic (PMID: 18317597, 23950152). This variant is not present in population databases (gnomAD no frequency). This variant has not been reported in the literature in individuals affected with PRPF31-related conditions. ClinVar contains an entry for this variant (Variation ID: 1436589). For these reasons, this variant has been classified as Pathogenic.

Literature cited by the submitters: PubMed 18317597; PubMed 23950152.

NM_015629.4(PRPF31):c.1153G>T (p.Glu385Ter)

Gene: PRPF31 (pre-mRNA processing factor 31; plus strand). Cytogenetic location: 19q13.42.
Variant type: single nucleotide variant.
Coding change: c.1153G>T on transcript NM_015629.4 (MANE Select); coding-DNA position 1153, G replaced by T.
Protein change: p.Glu385Ter; replaces glutamic acid 385 with a stop codon.
Molecular consequence: nonsense.
Genome position (GRCh38, 1-based): chr19:54,129,063, G>T. VCF-style: chr19-54129063-G-T. GRCh37 (hg19) VCF-style: chr19-54632438-G-T.
Other names: short protein forms E385*.
Identifiers: ClinVar variation 1436589 (VCV001436589.6), dbSNP rs2146449804, ClinGen allele CA407754365.